The following is an entry in ClinVar:

ClinVar aggregate classification (germline): Benign. Review status: criteria provided, multiple submitters, no conflicts (2 of 4 stars). 3 submissions from 3 submitters: Benign (3). Last evaluated 2026-01-15.

Conditions:
Oculotrichoanal syndrome (MOTA). Also called: MARLES SYNDROME; Manitoba Oculotrichoanal (MOTA) Syndrome. Identifiers: Orphanet 2717, MedGen C1855425, MONDO:0009560, OMIM 248450.

Allele frequency attached by ClinVar (database versions not stated): ESP Exome Variant Server 0.00681; 1000 Genomes Project 0.00779; 1000 Genomes Project 30x 0.00796; TOPMed 0.00829.
gnomAD v4.1: 2,174 of 1,606,208 alleles (0.14%); highest among the groups gnomAD compares: African/African-American, 2.6%; 29 homozygotes.

Submissions (3):

Labcorp Genetics (formerly Invitae), Labcorp
Classification: Benign. Last evaluated: 2026-01-15. Review status: criteria provided, single submitter. Criteria: Invitae Variant Classification Sherloc (09022015). Collection method: clinical testing. Allele origin: germline.

Mayo Clinic Laboratories, Mayo Clinic
Classification: Benign. Last evaluated: 2023-10-10. Review status: criteria provided, single submitter. Criteria: ACMG Guidelines, 2015. Collection method: clinical testing. Allele origin: germline. Observed: 1 variant allele.
Comment: BS1, BS2, BP4, BP7

Illumina Laboratory Services, Illumina
Classification: Benign for Oculotrichoanal syndrome. Last evaluated: 2018-01-13. Review status: criteria provided, single submitter. Criteria: ICSL Variant Classification Criteria 13 December 2019. Collection method: clinical testing. Allele origin: germline.
Comment: This variant was observed in the ICSL laboratory as part of a predisposition screen in an ostensibly healthy population. It had not been previously curated by ICSL or reported in the Human Gene Mutation Database (HGMD: prior to June 1st, 2018), and was therefore a candidate for classification through an automated scoring system. Utilizing variant allele frequency, disease prevalence and penetrance estimates, and inheritance mode, an automated score was calculated to assess if this variant is too frequent to cause the disease. Based on the score and internal cut-off values, a variant classified as benign is not then subjected to further curation. The score for this variant resulted in a classification of benign for this disease.

NM_001379081.2(FREM1):c.6139-4T>A

Gene: FREM1 (FRAS1 related extracellular matrix 1; minus strand). Cytogenetic location: 9p22.3.
Variant type: single nucleotide variant.
Coding change: c.6139-4T>A on transcript NM_001379081.2 (MANE Select); 4 bases into the intron before coding-DNA position 6139, T replaced by A.
Molecular consequence: intron variant.
Genome position (GRCh38, 1-based): chr9:14,746,472, A>T on the plus strand (T>A on the coding strand, the complement: FREM1 is on the minus strand). VCF-style: chr9-14746472-A-T. GRCh37 (hg19) VCF-style: chr9-14746470-A-T.
Other names: p.?; c.6139-4T>A (NM_144966.7); c.1747-4T>A (NM_001370061.2, NM_001177704.3); c.1596+451T>A (NM_001370058.2).
Identifiers: ClinVar variation 366104 (VCV000366104.15), dbSNP rs77135480, ClinGen allele CA4989524.
Genomic context (GRCh38, chr9:14,746,472, plus strand): 5'-GTGACAGTAGCCTGAGTGCTGGTGCCACCCGGCTGGACAGGATTTGTCTTCCACATCCTG[A>T]AAAACAGTTGTCTGTGTTCATATCATAATGGTCTTTACAATCTGGAGTTGGTTCAGCATA-3'